The following is an entry in ClinVar:

ClinVar aggregate classification (germline): Uncertain significance (1 of 4 stars; one submission).

Submission:

Laboratorio de Genetica e Diagnostico Molecular, Hospital Israelita Albert Einstein
Classification: Uncertain significance. Last evaluated: 2022-04-04. Review status: criteria provided, single submitter. Criteria: ACMG Guidelines, 2015. Collection method: clinical testing. Allele origin: germline. Affected: yes.
Comment: ACMG classification criteria: PM2

NM_001375380.1(EBF3):c.1102C>G (p.Pro368Ala)

Gene: EBF3 (EBF transcription factor 3; minus strand). Cytogenetic location: 10q26.3.
Variant type: single nucleotide variant.
Coding change: c.1102C>G on transcript NM_001375380.1 (MANE Select); coding-DNA position 1102, C replaced by G.
Protein change: p.Pro368Ala; replaces proline 368 with alanine.
Molecular consequence: missense variant.
Genome position (GRCh38, 1-based): chr10:129,848,418, G>C on the plus strand (C>G on the coding strand, the complement: EBF3 is on the minus strand). VCF-style: chr10-129848418-G-C. GRCh37 (hg19) VCF-style: chr10-131646682-G-C.
Other names: c.1075C>G, p.Pro359Ala (NM_001005463.3, NM_001375390.1, NM_001375392.1); c.1102C>G, p.Pro368Ala (NM_001375379.1, NM_001375389.1, NM_001375391.1); short protein forms P359A, P368A.
Identifiers: ClinVar variation 1690609 (VCV001690609.2), dbSNP rs2133981488, ClinGen allele CA378722478.